The following is an entry in ClinVar:

NM_001330063.2(ANKFY1):c.117G>A (p.Ala39=)

Gene: ANKFY1 (ankyrin repeat and FYVE domain containing 1; minus strand). Cytogenetic location: 17p13.2.
Variant type: single nucleotide variant.
Coding change: c.117G>A on transcript NM_001330063.2 (MANE Select); coding-DNA position 117, G replaced by A.
Protein change: p.Ala39=; no amino-acid change (alanine 39 retained).
Molecular consequence: synonymous variant. On other transcripts: non-coding transcript variant (1).
Genome position (GRCh38, 1-based): chr17:4,242,342, C>T on the plus strand (G>A on the coding strand, the complement: ANKFY1 is on the minus strand). VCF-style: chr17-4242342-C-T. GRCh37 (hg19) VCF-style: chr17-4145637-C-T.
Other names: c.243G>A, p.Ala81= (NM_001257999.3); c.117G>A, p.Ala39= (NM_016376.5).
Identifiers: ClinVar variation 3053888 (VCV003053888.2), dbSNP rs529581919, ClinGen allele CA8301842.
Genomic context (GRCh38, chr17:4,242,342, plus strand): 5'-TGCCACGATGGCCAGCAGACGGCTGATGAAGGACTCGCTGCTGCTCTCCTTGTTTGCCTG[C>T]GCAGCCAAGAGAGCGCAGCGCTTCTCTGTCTCCGCCAGCTTCTTCTGCAGCTTGACATAC-3'
Protein context (NP_001316992.1, residues 29-49): ETEKRCALLA[Ala39=]QANKESSSES

ClinVar aggregate classification (germline): Likely benign (0 of 4 stars; one submission).

Conditions:
ANKFY1-related disorder. Also called: ANKFY1-related condition.

Allele frequency attached by ClinVar (database versions not stated): TOPMed 0.00002; gnomAD 0.00003; gnomAD exomes 0.00004; ExAC 0.00007; 1000 Genomes Project 30x 0.00016; 1000 Genomes Project 0.00020.
gnomAD v4.1: 58 of 1,602,378 alleles (0.0036%); highest among the groups gnomAD compares: South Asian, 0.036%; no homozygotes.

Submission:

PreventionGenetics, part of Exact Sciences
Classification: Likely benign for ANKFY1-related condition. Last evaluated: 2020-06-11. Review status: no assertion criteria provided. Collection method: clinical testing. Allele origin: germline.
Comment: This variant is classified as likely benign based on ACMG/AMP sequence variant interpretation guidelines (Richards et al. 2015 PMID: 25741868, with internal and published modifications).